The following is an entry in ClinVar:

NM_182760.4(SUMF1):c.840+1G>A

Gene: SUMF1 (sulfatase modifying factor 1; minus strand). Cytogenetic location: 3p26.1.
Variant type: single nucleotide variant.
Coding change: c.840+1G>A on transcript NM_182760.4 (MANE Select); the canonical splice donor site of the intron after coding-DNA position 840, G replaced by A.
Molecular consequence: splice donor variant.
Genome position (GRCh38, 1-based): chr3:4,417,127, C>T on the plus strand (G>A on the coding strand, the complement: SUMF1 is on the minus strand). VCF-style: chr3-4417127-C-T. GRCh37 (hg19) VCF-style: chr3-4458811-C-T.
Other names: c.840+1G>A (NM_182760.3, NM_001164675.2); c.765+1G>A (NM_001164674.2).
Identifiers: ClinVar variation 2957182 (VCV002957182.6), dbSNP rs2469852897, ClinGen allele CA351631968.
Genomic context (GRCh38, chr3:4,417,127, plus strand): 5'-GTCTACTGGGAGCCTCAGTTCTCAGCAGCTGCCACCCTCCTGCAGAGGTCTCATTACTCA[C>T]AGGCGCAGTTCCTTGGAAGCCATCCTCACCAGTGTTGGTCACCGGAAACTCGCCCTGCCA-3'

ClinVar aggregate classification (germline): Likely pathogenic. Review status: criteria provided, multiple submitters, no conflicts (2 of 4 stars). 4 submissions from 4 submitters: Likely pathogenic (4). Last evaluated 2025-06-26.

Conditions:
Multiple sulfatase deficiency (MSD). Also called: Mucosulfatidosis; Multiple Sulfatase Deficiency Disease; Sulfatidosis, Juvenile, Austin Type. Identifiers: Orphanet 585, MedGen C0268263, MONDO:0010088, OMIM 272200.

Submissions (4):

Natera, Inc.
Classification: Likely pathogenic for Multiple sulfatase deficiency. Last evaluated: 2025-06-26. Review status: criteria provided, single submitter. Criteria: Natera Variant Classification Schema (03/2026). Collection method: clinical testing. Allele origin: germline.
Comment: The c.840+1G>A variant in SUMF1 is a canonical splice donor site variant predicted to affect pre-mRNA splicing, which may result in an abnormal transcript and altered protein product. This variant is expected to result in nonsense mediated decay, truncation, or a dysfunctional protein product. This variant is rare in the general population with a frequency below the threshold expected for the associated phenotype(s). Given the available evidence, this variant is classified as Likely Pathogenic.

Myriad Genetics, Inc.
Classification: Likely pathogenic for Multiple sulfatase deficiency. Last evaluated: 2025-06-24. Review status: criteria provided, single submitter. Criteria: Myriad Autosomal Dominant, Autosomal Recessive and X-Linked Classification Criteria (2023). Collection method: clinical testing. Allele origin: unknown.
Comment: NM_182760.3(SUMF1):c.840+1G>A is a variant in a canonical splice site classified as likely pathogenic in the context of multiple sulfatase deficiency. c.840+1G>A has not been observed in cases with relevant disease. Relevant functional assessments of this variant are not available in the literature. c.840+1G>A has not been observed in referenced population frequency databases. In summary, NM_182760.3(SUMF1):c.840+1G>A is a variant in a canonical splice site in a gene where loss of function is a known mechanism of disease and is predicted to disrupt protein function. Please note: this variant was assessed in the context of healthy population screening.

Fulgent Genetics
Classification: Likely pathogenic for Multiple sulfatase deficiency. Last evaluated: 2024-06-21. Review status: criteria provided, single submitter. Criteria: ACMG Guidelines, 2015. Collection method: clinical testing. Allele origin: germline.

Labcorp Genetics (formerly Invitae), Labcorp
Classification: Likely pathogenic for Multiple sulfatase deficiency. Last evaluated: 2024-04-01. Review status: criteria provided, single submitter. Criteria: Invitae Variant Classification Sherloc (09022015). Collection method: clinical testing. Allele origin: germline.
Comment: This sequence change affects a donor splice site in intron 6 of the SUMF1 gene. It is expected to disrupt RNA splicing. Variants that disrupt the donor or acceptor splice site typically lead to a loss of protein function (PMID: 16199547), and loss-of-function variants in SUMF1 are known to be pathogenic (PMID: 12757705, 12757706, 25885655). This variant is not present in population databases (gnomAD no frequency). This variant has not been reported in the literature in individuals affected with SUMF1-related conditions. Algorithms developed to predict the effect of sequence changes on RNA splicing suggest that this variant may disrupt the consensus splice site. In summary, the currently available evidence indicates that the variant is pathogenic, but additional data are needed to prove that conclusively. Therefore, this variant has been classified as Likely Pathogenic.

Literature cited by the submitters: PubMed 16199547 (cited by Labcorp Genetics (formerly Invitae), Labcorp); PubMed 12757705 (cited by Labcorp Genetics (formerly Invitae), Labcorp); PubMed 12757706 (cited by Labcorp Genetics (formerly Invitae), Labcorp); PubMed 25885655 (cited by Labcorp Genetics (formerly Invitae), Labcorp).